The following is an entry in ClinVar:

NM_001035.3(RYR2):c.8750T>C (p.Ile2917Thr)

Gene: RYR2 (ryanodine receptor 2; plus strand). Cytogenetic location: 1q43.
Variant type: single nucleotide variant.
Coding change: c.8750T>C on transcript NM_001035.3 (MANE Select); coding-DNA position 8750, T replaced by C.
Protein change: p.Ile2917Thr; replaces isoleucine 2917 with threonine.
Molecular consequence: missense variant.
Genome position (GRCh38, 1-based): chr1:237,674,766, T>C. VCF-style: chr1-237674766-T-C. GRCh37 (hg19) VCF-style: chr1-237838066-T-C.
Other names: short protein forms I2917T.
Identifiers: ClinVar variation 2901006 (VCV002901006.5), dbSNP rs1187351813, ClinGen allele CA345403266.

ClinVar aggregate classification (germline): Uncertain significance. Review status: criteria provided, multiple submitters, no conflicts (2 of 4 stars). 3 submissions from 3 submitters: Uncertain significance (3). Last evaluated 2024-09-24.

Conditions:
Catecholaminergic polymorphic ventricular tachycardia (CVPT). Also called: Catecholamine-induced polymorphic ventricular tachycardia. Identifiers: Orphanet 3286, MedGen C5574922, MONDO:0017990.
Cardiomyopathy (CMYO). Also called: Cardiomyopathies. Identifiers: Orphanet 167848, MedGen C0878544, MONDO:0004994, HP:0001638. Inheritance: Various modes of inheritance.
Catecholaminergic polymorphic ventricular tachycardia 1. Also called: VENTRICULAR TACHYCARDIA, STRESS-INDUCED POLYMORPHIC 1; VENTRICULAR TACHYCARDIA, CATECHOLAMINERGIC POLYMORPHIC, 1, WITH OR WITHOUT ATRIAL DYSFUNCTION AND/OR DILATED CARDIOMYOPATHY; RYR2-Related Catecholaminergic Polymorphic Ventricular Tachycardia. Identifiers: Orphanet 3286, MedGen C1631597, MONDO:0011484, OMIM 604772.

Allele frequency attached by ClinVar (database versions not stated): gnomAD exomes below 0.00001.
gnomAD v4.1: 3 of 1,612,472 alleles (0.00019%); highest among the groups gnomAD compares: Non-Finnish European, 0.000085%; no homozygotes.

Submissions (3):

Color Diagnostics, LLC DBA Color Health
Classification: Uncertain significance for Cardiomyopathy. Last evaluated: 2024-09-24. Review status: criteria provided, single submitter. Criteria: ACMG Guidelines, 2015. Collection method: clinical testing. Allele origin: germline.
Comment: This missense variant replaces isoleucine with threonine at codon 2917 of the RYR2 protein. Computational prediction suggests that this variant may have deleterious impact on protein structure and function. To our knowledge, functional studies have not been reported for this variant. This variant has not been reported in individuals affected with RYR2-related disorders in the literature. This variant has been identified in 1/248804 chromosomes in the general population by the Genome Aggregation Database (gnomAD). The available evidence is insufficient to determine the role of this variant in disease conclusively. Therefore, this variant is classified as a Variant of Uncertain Significance.

All of Us Research Program, National Institutes of Health
Classification: Uncertain significance for Catecholaminergic polymorphic ventricular tachycardia. Last evaluated: 2024-03-05. Review status: criteria provided, single submitter. Criteria: ACMG Guidelines, 2015. Collection method: clinical testing. Allele origin: germline. Inheritance: Autosomal dominant inheritance. Observed: 1 variant allele, 1 heterozygote.
Comment: This study involves interpretation of variants in research participants for the purpose of population health screening. Participant phenotype was not available at the time of variant classification. Additional details can be found in publication PMID: 35346344, PMCID: PMC8962531

Labcorp Genetics (formerly Invitae), Labcorp
Classification: Uncertain significance for Catecholaminergic polymorphic ventricular tachycardia 1. Last evaluated: 2023-01-14. Review status: criteria provided, single submitter. Criteria: Invitae Variant Classification Sherloc (09022015). Collection method: clinical testing. Allele origin: germline.
Comment: Advanced modeling of protein sequence and biophysical properties (such as structural, functional, and spatial information, amino acid conservation, physicochemical variation, residue mobility, and thermodynamic stability) performed at Invitae indicates that this missense variant is not expected to disrupt RYR2 protein function. In summary, the available evidence is currently insufficient to determine the role of this variant in disease. Therefore, it has been classified as a Variant of Uncertain Significance. This variant has not been reported in the literature in individuals affected with RYR2-related conditions. This variant is present in population databases (no rsID available, gnomAD 0.0009%). This sequence change replaces isoleucine, which is neutral and non-polar, with threonine, which is neutral and polar, at codon 2917 of the RYR2 protein (p.Ile2917Thr).